The following is an entry in ClinVar:

ClinVar aggregate classification (germline): Likely benign. Review status: criteria provided, single submitter (1 of 4 stars). 2 submissions from 2 submitters: Likely benign (1). 1 of the submissions does not count toward it. Last evaluated 2023-08-09.

Conditions:
INF2-related disorder. Also called: INF2-related condition.

Allele frequency attached by ClinVar (database versions not stated): ExAC 0.00009; 1000 Genomes Project 30x 0.01640.

Submissions (2):

Blueprint Genetics
Classification: Likely benign. Last evaluated: 2023-08-09. Review status: criteria provided, single submitter. Criteria: ACMG Guidelines, 2015. Collection method: clinical testing. Allele origin: germline.

PreventionGenetics, part of Exact Sciences
Classification: Benign for INF2-related condition. Last evaluated: 2019-11-14. Review status: no assertion criteria provided. Collection method: clinical testing. Allele origin: germline. Not counted in ClinVar's aggregate classification.
Comment: This variant is classified as benign based on ACMG/AMP sequence variant interpretation guidelines (Richards et al. 2015 PMID: 25741868, with internal and published modifications).

NM_022489.4(INF2):c.1506A>C (p.Pro502=)

Gene: INF2 (inverted formin 2; plus strand). Cytogenetic location: 14q32.33.
Variant type: single nucleotide variant.
Coding change: c.1506A>C on transcript NM_022489.4 (MANE Select); coding-DNA position 1506, A replaced by C.
Protein change: p.Pro502=; no amino-acid change (proline 502 retained).
Molecular consequence: synonymous variant.
Genome position (GRCh38, 1-based): chr14:104,707,773, A>C. VCF-style: chr14-104707773-A-C. GRCh37 (hg19) VCF-style: chr14-105174110-A-C.
Other names: c.1506A>C, p.Pro502= (NM_001031714.4, NM_001426862.1, NM_001426863.1 and 2 more transcripts).
Identifiers: ClinVar variation 3045844 (VCV003045844.3), dbSNP rs768434395, ClinGen allele CA7372581.